The following is an entry in ClinVar:

NM_000051.4(ATM):c.7843C>G (p.Gln2615Glu)

Genes: C11orf65 (chromosome 11 open reading frame 65; minus strand), ATM (ATM serine/threonine kinase; plus strand). Cytogenetic location: 11q22.3.
Variant type: single nucleotide variant.
Coding change: c.7843C>G on transcript NM_000051.4 (MANE Select); coding-DNA position 7843, C replaced by G.
Protein change: p.Gln2615Glu; replaces glutamine 2615 with glutamic acid.
Molecular consequence: missense variant. On other transcripts: intron variant (2).
Genome position (GRCh38, 1-based): chr11:108,332,816, C>G. VCF-style: chr11-108332816-C-G. GRCh37 (hg19) VCF-style: chr11-108203543-C-G.
Other names: c.7843C>G, p.Gln2615Glu (NM_001351834.2); c.641-23745G>C (NM_001330368.2); c.*38+2404G>C (NM_001351110.2); short protein forms Q2615E.
Identifiers: ClinVar variation 584496 (VCV000584496.25), dbSNP rs773159296, ClinGen allele CA6266202.

ClinVar aggregate classification (germline): Conflicting classifications of pathogenicity. Review status: criteria provided, conflicting classifications (1 of 4 stars). 5 submissions from 5 submitters: Uncertain significance (3); Benign (1). 1 of the submissions does not count toward it. Last evaluated 2026-02-27.

Conditions:
Hereditary cancer-predisposing syndrome. Also called: Hereditary Cancer Syndrome; Neoplastic Syndromes, Hereditary; Tumor predisposition; Hereditary neoplastic syndrome. Identifiers: Orphanet 140162, MedGen C0027672, MeSH D009386, MONDO:0015356.
Ataxia-telangiectasia syndrome (AT). Also called: Cerebello-oculocutaneous telangiectasia; Immunodeficiency with ataxia telangiectasia; Ataxia-telangiectasia, complementation group E; Ataxia-telangiectasia, complementation group D; AT, COMPLEMENTATION GROUP C; ATAXIA-TELANGIECTASIA, COMPLEMENTATION GROUP A. Identifiers: Orphanet 100, MedGen C0004135, MONDO:0008840, OMIM 208900.

Allele frequency attached by ClinVar (database versions not stated): ExAC 0.00002; gnomAD exomes 0.00001 and below 0.00001.
gnomAD v4.1: 1 of 1,613,416 alleles (0.000062%); highest among the groups gnomAD compares: Non-Finnish European, 0.000085%; no homozygotes.

Submissions (5):

Ambry Genetics
Classification: Benign for Hereditary cancer-predisposing syndrome. Last evaluated: 2026-02-27. Review status: criteria provided, single submitter. Criteria: Ambry Variant Classification Scheme 2023. Collection method: clinical testing. Allele origin: germline.

Labcorp Genetics (formerly Invitae), Labcorp
Classification: Uncertain significance for Ataxia-telangiectasia syndrome. Last evaluated: 2024-08-06. Review status: criteria provided, single submitter. Criteria: Invitae Variant Classification Sherloc (09022015). Collection method: clinical testing. Allele origin: germline.
Comment: This sequence change replaces glutamine, which is neutral and polar, with glutamic acid, which is acidic and polar, at codon 2615 of the ATM protein (p.Gln2615Glu). This variant is present in population databases (rs773159296, gnomAD 0.003%). This missense change has been observed in individual(s) with clinical features of ATM-related conditions (PMID: 31159747). ClinVar contains an entry for this variant (Variation ID: 584496). An algorithm developed to predict the effect of missense changes on protein structure and function (PolyPhen-2) suggests that this variant is likely to be tolerated. In summary, the available evidence is currently insufficient to determine the role of this variant in disease. Therefore, it has been classified as a Variant of Uncertain Significance.

Color Diagnostics, LLC DBA Color Health
Classification: Uncertain significance for Hereditary cancer-predisposing syndrome. Last evaluated: 2020-01-17. Review status: criteria provided, single submitter. Criteria: ACMG Guidelines, 2015. Collection method: clinical testing. Allele origin: germline.
Comment: This missense variant replaces glutamine with glutamic acid at codon 2615 of the ATM protein. Computational prediction tool suggests that this variant may not impact protein structure and function (internally defined REVEL score threshold ≤0.5, PMID: 27666373). Splice site prediction tools suggest that this variant may not impact RNA splicing. To our knowledge, functional studies have not been performed for this variant. This variant has not been reported in individuals affected with hereditary cancer in the literature. This variant has been identified in 3/250850 chromosomes in the general population by the Genome Aggregation Database (gnomAD). The available evidence is insufficient to determine the role of this variant in disease conclusively. Therefore, this variant is classified as a Variant of Uncertain Significance.

GeneKor MSA
Classification: Uncertain significance for Hereditary cancer-predisposing syndrome. Last evaluated: 2018-08-01. Review status: criteria provided, single submitter. Criteria: ACMG Guidelines, 2015. Collection method: clinical testing. Allele origin: germline. Affected: yes.

Natera, Inc.
Classification: Uncertain significance for Ataxia-telangiectasia. Last evaluated: 2019-10-28. Review status: no assertion criteria provided. Collection method: clinical testing. Allele origin: germline. Not counted in ClinVar's aggregate classification.

Literature cited by the submitters: PubMed 31159747 (cited by Labcorp Genetics (formerly Invitae), Labcorp).